The following is an entry in ClinVar:

NM_001382567.1(STIM1):c.101C>T (p.Thr34Ile)

Gene: STIM1 (stromal interaction molecule 1; plus strand). Cytogenetic location: 11p15.4.
Variant type: single nucleotide variant.
Coding change: c.101C>T on transcript NM_001382567.1 (MANE Select); coding-DNA position 101, C replaced by T.
Protein change: p.Thr34Ile; replaces threonine 34 with isoleucine.
Molecular consequence: missense variant. On other transcripts: 5 prime UTR variant (1), non-coding transcript variant (3), intron variant (10).
Genome position (GRCh38, 1-based): chr11:3,856,371, C>T. VCF-style: chr11-3856371-C-T. GRCh37 (hg19) VCF-style: chr11-3877601-C-T.
Other names: c.101C>T, p.Thr34Ile (NM_001277961.3, NM_001277962.2, NM_001382568.1 and 3 more transcripts); c.97C>T, p.Pro33Ser (NM_001382569.1); c.-137C>T (NM_001382571.1); c.-84+1635C>T (NM_001382578.1, NM_001382575.1, NM_001382574.1); c.-220+1635C>T (NM_001382580.1, NM_001382581.1); c.-84+1717C>T (NM_001382576.1); c.-84+955C>T (NM_001382566.1, NM_001382579.1, NM_001382577.1 and 1 more transcripts); short protein forms T34I, P33S.
Identifiers: ClinVar variation 1402094 (VCV001402094.10), dbSNP rs771348972, ClinGen allele CA379196483.

ClinVar aggregate classification (germline): Uncertain significance (1 of 4 stars; one submission).

Conditions:
Combined immunodeficiency due to STIM1 deficiency. Also called: STIM1 DEFICIENCY; IMMUNODEFICIENCY 10. Identifiers: Orphanet 169090, Orphanet 317430, MedGen C2748557, MONDO:0013008, OMIM 612783.
Myopathy with tubular aggregates (TAM). Also called: Tubular Aggregate Myopathy. Identifiers: Orphanet 2593, MedGen C0410207, MONDO:0008051.
Stormorken syndrome (STRMK). Also called: THROMBOCYTOPATHY, ASPLENIA, AND MIOSIS. Identifiers: Orphanet 3204, MedGen C1861451, MONDO:0008497, OMIM 185070.

Submission:

Labcorp Genetics (formerly Invitae), Labcorp
Classification: Uncertain significance for Myopathy with tubular aggregates; Combined immunodeficiency due to STIM1 deficiency; Stormorken syndrome. Last evaluated: 2023-08-28. Review status: criteria provided, single submitter. Criteria: Invitae Variant Classification Sherloc (09022015). Collection method: clinical testing. Allele origin: germline.
Comment: In summary, the available evidence is currently insufficient to determine the role of this variant in disease. Therefore, it has been classified as a Variant of Uncertain Significance. Advanced modeling of protein sequence and biophysical properties (such as structural, functional, and spatial information, amino acid conservation, physicochemical variation, residue mobility, and thermodynamic stability) has been performed at Invitae for this missense variant, however the output from this modeling did not meet the statistical confidence thresholds required to predict the impact of this variant on STIM1 protein function. ClinVar contains an entry for this variant (Variation ID: 1402094). This variant has not been reported in the literature in individuals affected with STIM1-related conditions. This variant is not present in population databases (gnomAD no frequency). This sequence change replaces threonine, which is neutral and polar, with isoleucine, which is neutral and non-polar, at codon 34 of the STIM1 protein (p.Thr34Ile).